The following is an entry in ClinVar:

NM_000814.6(GABRB3):c.173-2A>T

Gene: GABRB3 (gamma-aminobutyric acid type A receptor subunit beta3; minus strand). Cytogenetic location: 15q12.
Variant type: single nucleotide variant.
Coding change: c.173-2A>T on transcript NM_000814.6 (MANE Select); the canonical splice acceptor site of the intron before coding-DNA position 173, A replaced by T.
Molecular consequence: splice acceptor variant.
Genome position (GRCh38, 1-based): chr15:26,772,471, T>A on the plus strand (A>T on the coding strand, the complement: GABRB3 is on the minus strand). VCF-style: chr15-26772471-T-A. GRCh37 (hg19) VCF-style: chr15-27017618-T-A.
Other names: c.173-2A>T (NM_021912.5); c.-179-2A>T (NM_001278631.2).
Identifiers: ClinVar variation 973239 (VCV000973239.5), dbSNP rs1891176092, ClinGen allele CA391465317.

ClinVar aggregate classification (germline): Likely pathogenic (1 of 4 stars; one submission).

Conditions:
Developmental and epileptic encephalopathy, 43 (DEE43). Also called: Epileptic encephalopathy, early infantile, 43. Identifiers: MedGen C4310712, MONDO:0014921, OMIM 617113.

Submission:

Institute for Genomic Medicine (IGM) Clinical Laboratory, Nationwide Children's Hospital
Classification: Likely pathogenic for Developmental and epileptic encephalopathy, 43. Last evaluated: 2017-12-08. Review status: criteria provided, single submitter. Criteria: ACMG Guidelines, 2015. Collection method: clinical testing. Allele origin: germline. Affected: yes.
Comment: [ACMG/AMP: PS2, PM2, PP3] This alteration is de novo in origin as it was not detected in the submitted parental specimens (identity confirmed) [PS2], is absent from or rarely observed in large-scale population databases [PM2], is predicted to be damaging by multiple functional prediction tools [PP3].